The following is an entry in ClinVar:

NM_001374353.1(GLI2):c.2931C>A (p.Asn977Lys)

Gene: GLI2 (GLI family zinc finger 2; plus strand). Cytogenetic location: 2q14.2.
Variant type: single nucleotide variant.
Coding change: c.2931C>A on transcript NM_001374353.1 (MANE Select); coding-DNA position 2931, C replaced by A.
Protein change: p.Asn977Lys; replaces asparagine 977 with lysine.
Molecular consequence: missense variant.
Genome position (GRCh38, 1-based): chr2:120,988,896, C>A. VCF-style: chr2-120988896-C-A. GRCh37 (hg19) VCF-style: chr2-121746472-C-A.
Other names: c.2982C>A, p.Asn994Lys (NM_001371271.1, NM_005270.5); c.2556C>A, p.Asn852Lys (NM_001374354.1); short protein forms N852K, N977K, N994K.
Identifiers: ClinVar variation 4788145 (VCV004788145.1).

ClinVar aggregate classification (germline): Uncertain significance (1 of 4 stars; one submission).

Conditions:
Holoprosencephaly 9 (HPE9). Also called: PITUITARY ANOMALIES WITH HOLOPROSENCEPHALY-LIKE FEATURES; HOLOPROSENCEPHALY WITH MICROPHTHALMIA AND FIRST BRANCHIAL ARCH ANOMALIES. Identifiers: Orphanet 2162, MedGen C1835819, MONDO:0012563, OMIM 610829.
Postaxial polydactyly-anterior pituitary anomalies-facial dysmorphism syndrome. Also called: Culler-Jones syndrome. Identifiers: Orphanet 420584, MedGen C4014479, MONDO:0014369, OMIM 615849.

gnomAD v4.1: 13 of 1,507,666 alleles (0.00086%); highest among the groups gnomAD compares: African/African-American, 0.0014%; no homozygotes.

Submission:

Labcorp Genetics (formerly Invitae), Labcorp
Classification: Uncertain significance for Postaxial polydactyly-anterior pituitary anomalies-facial dysmorphism syndrome; Holoprosencephaly 9. Last evaluated: 2025-09-13. Review status: criteria provided, single submitter. Criteria: Invitae Variant Classification Sherloc (09022015). Collection method: clinical testing. Allele origin: germline.
Comment: This sequence change replaces asparagine, which is neutral and polar, with lysine, which is basic and polar, at codon 994 of the GLI2 protein (p.Asn994Lys). The frequency data for this variant in the population databases is considered unreliable, as metrics indicate poor data quality at this position in the gnomAD database. This variant has not been reported in the literature in individuals affected with GLI2-related conditions. Invitae Evidence Modeling of protein sequence and biophysical properties (such as structural, functional, and spatial information, amino acid conservation, physicochemical variation, residue mobility, and thermodynamic stability) has been performed for this missense variant. However, the output from this modeling did not meet the statistical confidence thresholds required to predict the impact of this variant on GLI2 protein function. In summary, the available evidence is currently insufficient to determine the role of this variant in disease. Therefore, it has been classified as a Variant of Uncertain Significance.